The following is an entry in ClinVar:

ClinVar aggregate classification (germline): Uncertain significance (1 of 4 stars; one submission).

Conditions:
Myasthenic syndrome, congenital, 22 (CMS22). Also called: PREPL DEFICIENCY. Identifiers: MedGen C4479088, MONDO:0044299, OMIM 616224.

Allele frequency attached by ClinVar (database versions not stated): gnomAD exomes below 0.00001; ExAC 0.00002; gnomAD 0.00002; TOPMed 0.00002; 1000 Genomes Project 30x 0.00016; 1000 Genomes Project 0.00020.
gnomAD v4.1: 8 of 1,614,070 alleles (0.0005%); highest among the groups gnomAD compares: East Asian, 0.0045%; no homozygotes.

Submission:

Labcorp Genetics (formerly Invitae), Labcorp
Classification: Uncertain significance for Myasthenic syndrome, congenital, 22. Last evaluated: 2025-08-11. Review status: criteria provided, single submitter. Criteria: Invitae Variant Classification Sherloc (09022015). Collection method: clinical testing. Allele origin: germline.
Comment: This sequence change replaces arginine, which is basic and polar, with glutamine, which is neutral and polar, at codon 495 of the PREPL protein (p.Arg495Gln). This variant is present in population databases (rs548735052, gnomAD 0.003%). This variant has not been reported in the literature in individuals affected with PREPL-related conditions. ClinVar contains an entry for this variant (Variation ID: 2041337). Invitae Evidence Modeling of protein sequence and biophysical properties (such as structural, functional, and spatial information, amino acid conservation, physicochemical variation, residue mobility, and thermodynamic stability) indicates that this missense variant is not expected to disrupt PREPL protein function with a negative predictive value of 80%. In summary, the available evidence is currently insufficient to determine the role of this variant in disease. Therefore, it has been classified as a Variant of Uncertain Significance.

NM_001171613.2(PREPL):c.1217G>A (p.Arg406Gln)

Gene: PREPL (prolyl endopeptidase like; minus strand). Cytogenetic location: 2p21.
Variant type: single nucleotide variant.
Coding change: c.1217G>A on transcript NM_001171613.2 (MANE Select); coding-DNA position 1217, G replaced by A.
Protein change: p.Arg406Gln; replaces arginine 406 with glutamine.
Molecular consequence: missense variant.
Genome position (GRCh38, 1-based): chr2:44,328,982, C>T on the plus strand (G>A on the coding strand, the complement: PREPL is on the minus strand). VCF-style: chr2-44328982-C-T. GRCh37 (hg19) VCF-style: chr2-44556121-C-T.
Other names: c.1298G>A, p.Arg433Gln (NM_001042385.2); c.1286G>A, p.Arg429Gln (NM_001042386.2); c.1484G>A, p.Arg495Gln (NM_001171603.1, NM_001171606.2, NM_001374275.1 and 2 more transcripts); c.1217G>A, p.Arg406Gln (NM_001171617.1, NM_001374277.1); short protein forms R429Q, R433Q, R406Q, R495Q.
Identifiers: ClinVar variation 2041337 (VCV002041337.4), dbSNP rs548735052, ClinGen allele CA1641199.